The following is an entry in ClinVar:

ClinVar aggregate classification (germline): Uncertain significance (1 of 4 stars; one submission).

Conditions:
Peroxisome biogenesis disorder 2B (PBD2B). Identifiers: Orphanet 44, MedGen C3550234, MONDO:0008736, OMIM 202370.

Allele frequency attached by ClinVar (database versions not stated): gnomAD exomes below 0.00001.
gnomAD v4.1: 1 of 1,613,944 alleles (0.000062%); highest among the groups gnomAD compares: South Asian, 0.0011%; no homozygotes.

Submission:

Labcorp Genetics (formerly Invitae), Labcorp
Classification: Uncertain significance for Peroxisome biogenesis disorder 2B. Last evaluated: 2025-03-03. Review status: criteria provided, single submitter. Criteria: Invitae Variant Classification Sherloc (09022015). Collection method: clinical testing. Allele origin: germline.
Comment: This sequence change replaces arginine, which is basic and polar, with lysine, which is basic and polar, at codon 36 of the PEX5 protein (p.Arg36Lys). This variant is not present in population databases (gnomAD no frequency). This variant has not been reported in the literature in individuals affected with PEX5-related conditions. ClinVar contains an entry for this variant (Variation ID: 1385723). An algorithm developed to predict the effect of missense changes on protein structure and function outputs the following: PolyPhen-2: "Benign". The lysine amino acid residue is found in multiple mammalian species, which suggests that this missense change does not adversely affect protein function. In summary, the available evidence is currently insufficient to determine the role of this variant in disease. Therefore, it has been classified as a Variant of Uncertain Significance.

NM_001351132.2(PEX5):c.107G>A (p.Arg36Lys)

Gene: PEX5 (peroxisomal biogenesis factor 5; plus strand). Cytogenetic location: 12p13.31.
Variant type: single nucleotide variant.
Coding change: c.107G>A on transcript NM_001351132.2 (MANE Select); coding-DNA position 107, G replaced by A.
Protein change: p.Arg36Lys; replaces arginine 36 with lysine.
Molecular consequence: missense variant.
Genome position (GRCh38, 1-based): chr12:7,190,484, G>A. VCF-style: chr12-7190484-G-A. GRCh37 (hg19) VCF-style: chr12-7343080-G-A.
Other names: c.107G>A, p.Arg36Lys (NM_000319.5, NM_001131023.2, NM_001131024.2 and 22 more transcripts); short protein forms R36K.
Identifiers: ClinVar variation 1385723 (VCV001385723.6), dbSNP rs2135878731, ClinGen allele CA383707942.